The following is an entry in ClinVar:

NM_005228.5(EGFR):c.1172A>C (p.Glu391Ala)

Genes: EGFR (epidermal growth factor receptor; plus strand), LOC126860048 (P300/CBP strongly-dependent group 1 enhancer GRCh37_chr7:55223847-55225046; plus strand). Cytogenetic location: 7p11.2.
Variant type: single nucleotide variant.
Coding change: c.1172A>C on transcript NM_005228.5 (MANE Select); coding-DNA position 1172, A replaced by C.
Protein change: p.Glu391Ala; replaces glutamic acid 391 with alanine.
Molecular consequence: missense variant.
Genome position (GRCh38, 1-based): chr7:55,156,797, A>C. VCF-style: chr7-55156797-A-C. GRCh37 (hg19) VCF-style: chr7-55224490-A-C.
Other names: c.1037A>C, p.Glu346Ala (NM_001346897.2, NM_001346899.2); c.1172A>C, p.Glu391Ala (NM_001346898.2, NM_201282.2, NM_201283.2 and 1 more transcripts); c.1013A>C, p.Glu338Ala (NM_001346900.2); c.371A>C, p.Glu124Ala (NM_001346941.2); short protein forms E346A, E124A, E338A, E391A.
Identifiers: ClinVar variation 4842907 (VCV004842907.1).

ClinVar aggregate classification (germline): Uncertain significance (1 of 4 stars; one submission).

Conditions:
Hereditary cancer-predisposing syndrome. Also called: Neoplastic Syndromes, Hereditary; Tumor predisposition; Hereditary Cancer Syndrome; Hereditary neoplastic syndrome. Identifiers: Orphanet 140162, MedGen C0027672, MeSH D009386, MONDO:0015356.

Submission:

Ambry Genetics
Classification: Uncertain significance for Hereditary cancer-predisposing syndrome. Last evaluated: 2025-12-18. Review status: criteria provided, single submitter. Criteria: Ambry Variant Classification Scheme 2023. Collection method: clinical testing. Allele origin: germline.
Comment: The p.E391A variant (also known as c.1172A>C), located in coding exon 10 of the EGFR gene, results from an A to C substitution at nucleotide position 1172. The glutamic acid at codon 391 is replaced by alanine, an amino acid with dissimilar properties. This amino acid position is not well conserved in available vertebrate species. In addition, this alteration is predicted to be tolerated by in silico analysis. Based on the available evidence, the clinical significance of this variant remains unclear.